The following is an entry in ClinVar:

ClinVar aggregate classification (germline): Uncertain significance (1 of 4 stars; one submission).

gnomAD v4.1: 1 of 1,610,566 alleles (0.000062%); highest among the groups gnomAD compares: Non-Finnish European, 0.000085%; no homozygotes.

Submission:

Labcorp Genetics (formerly Invitae), Labcorp
Classification: Uncertain significance. Last evaluated: 2024-06-03. Review status: criteria provided, single submitter. Criteria: Invitae Variant Classification Sherloc (09022015). Collection method: clinical testing. Allele origin: germline.
Comment: This sequence change replaces asparagine, which is neutral and polar, with threonine, which is neutral and polar, at codon 20 of the FGF12 protein (p.Asn20Thr). This variant is not present in population databases (gnomAD no frequency). This variant has not been reported in the literature in individuals affected with FGF12-related conditions. An algorithm developed to predict the effect of missense changes on protein structure and function (PolyPhen-2) suggests that this variant is likely to be tolerated. In summary, the available evidence is currently insufficient to determine the role of this variant in disease. Therefore, it has been classified as a Variant of Uncertain Significance.

NM_004113.6(FGF12):c.14-47627A>C

Gene: FGF12 (fibroblast growth factor 12; minus strand). Cytogenetic location: 3q28.
Variant type: single nucleotide variant.
Coding change: c.14-47627A>C on transcript NM_004113.6 (MANE Select); 47627 bases into the intron before coding-DNA position 14, A replaced by C.
Molecular consequence: intron variant. On other transcripts: missense variant (1).
Genome position (GRCh38, 1-based): chr3:192,408,165, T>G on the plus strand (A>C on the coding strand, the complement: FGF12 is on the minus strand). VCF-style: chr3-192408165-T-G. GRCh37 (hg19) VCF-style: chr3-192125954-T-G.
Other names: c.59A>C, p.Asn20Thr (NM_021032.5); c.-59-47627A>C (NM_001377293.1); c.14-72701A>C (NM_001377292.1); c.-60+1347A>C (NM_001377294.1); short protein forms N20T.
Identifiers: ClinVar variation 3647966 (VCV003647966.2).